The following is an entry in ClinVar:

NM_015346.4(ZFYVE26):c.2985C>T (p.Ala995=)

Gene: ZFYVE26 (zinc finger FYVE-type containing 26; minus strand). Cytogenetic location: 14q24.1.
Variant type: single nucleotide variant.
Coding change: c.2985C>T on transcript NM_015346.4 (MANE Select); coding-DNA position 2985, C replaced by T.
Protein change: p.Ala995=; no amino-acid change (alanine 995 retained).
Molecular consequence: synonymous variant.
Genome position (GRCh38, 1-based): chr14:67,789,369, G>A on the plus strand (C>T on the coding strand, the complement: ZFYVE26 is on the minus strand). VCF-style: chr14-67789369-G-A. GRCh37 (hg19) VCF-style: chr14-68256086-G-A.
Identifiers: ClinVar variation 511709 (VCV000511709.9), dbSNP rs772468217, ClinGen allele CA7240139.

ClinVar aggregate classification (germline): Likely benign. Review status: criteria provided, multiple submitters, no conflicts (2 of 4 stars). 2 submissions from 2 submitters: Likely benign (2). Last evaluated 2024-03-20.

Conditions:
Spastic paraplegia. Identifiers: MedGen C0037772, HP:0001258.

Allele frequency attached by ClinVar (database versions not stated): TOPMed 0.00002; gnomAD 0.00001; gnomAD exomes 0.00002 and 0.00003; ExAC 0.00002.
gnomAD v4.1: 42 of 1,614,046 alleles (0.0026%); highest among the groups gnomAD compares: South Asian, 0.0044%; no homozygotes.

Submissions (2):

Labcorp Genetics (formerly Invitae), Labcorp
Classification: Likely benign for Spastic paraplegia. Last evaluated: 2024-03-20. Review status: criteria provided, single submitter. Criteria: Invitae Variant Classification Sherloc (09022015). Collection method: clinical testing. Allele origin: germline.

GeneDx
Classification: Likely benign. Last evaluated: 2017-08-24. Review status: criteria provided, single submitter. Criteria: GeneDx Variant Classification (06012015). Collection method: clinical testing. Allele origin: germline. Affected: yes.
Comment: This variant is considered likely benign or benign based on one or more of the following criteria: it is a conservative change, it occurs at a poorly conserved position in the protein, it is predicted to be benign by multiple in silico algorithms, and/or has population frequency not consistent with disease.